The following is an entry in ClinVar:

ClinVar aggregate classification (germline): Uncertain significance (1 of 4 stars; one submission).

Conditions:
Charcot-Marie-Tooth disease axonal type 2Z. Also called: CHARCOT-MARIE-TOOTH DISEASE, AXONAL, AUTOSOMAL DOMINANT, TYPE 2Z; CHARCOT-MARIE-TOOTH NEUROPATHY, TYPE 2Z. Identifiers: Orphanet 466768, MedGen C5569025, MONDO:0014736, OMIM 616688.

Allele frequency attached by ClinVar (database versions not stated): TOPMed below 0.00001; gnomAD 0.00001.
gnomAD v4.1: 2 of 1,612,940 alleles (0.00012%); highest among the groups gnomAD compares: African/African-American, 0.0027%; no homozygotes.

Submission:

Labcorp Genetics (formerly Invitae), Labcorp
Classification: Uncertain significance for Charcot-Marie-Tooth disease axonal type 2Z. Last evaluated: 2022-08-03. Review status: criteria provided, single submitter. Criteria: Invitae Variant Classification Sherloc (09022015). Collection method: clinical testing. Allele origin: germline.
Comment: In summary, the available evidence is currently insufficient to determine the role of this variant in disease. Therefore, it has been classified as a Variant of Uncertain Significance. Advanced modeling of protein sequence and biophysical properties (such as structural, functional, and spatial information, amino acid conservation, physicochemical variation, residue mobility, and thermodynamic stability) performed at Invitae indicates that this missense variant is expected to disrupt MORC2 protein function. This variant has not been reported in the literature in individuals affected with MORC2-related conditions. This variant is present in population databases (no rsID available, gnomAD 0.02%). This sequence change replaces glutamic acid, which is acidic and polar, with glutamine, which is neutral and polar, at codon 236 of the MORC2 protein (p.Glu236Gln).

NM_001303256.3(MORC2):c.706G>C (p.Glu236Gln)

Gene: MORC2 (MORC family CW-type zinc finger 2; minus strand). Cytogenetic location: 22q12.2.
Variant type: single nucleotide variant.
Coding change: c.706G>C on transcript NM_001303256.3 (MANE Select); coding-DNA position 706, G replaced by C.
Protein change: p.Glu236Gln; replaces glutamic acid 236 with glutamine.
Molecular consequence: missense variant.
Genome position (GRCh38, 1-based): chr22:30,941,551, C>G on the plus strand (G>C on the coding strand, the complement: MORC2 is on the minus strand). VCF-style: chr22-30941551-C-G. GRCh37 (hg19) VCF-style: chr22-31337538-C-G.
Other names: c.706G>C, p.Glu236Gln (NM_001303257.2); c.520G>C, p.Glu174Gln (NM_014941.3); short protein forms E236Q, E174Q.
Identifiers: ClinVar variation 2164324 (VCV002164324.4), dbSNP rs1032069292, ClinGen allele CA323278160.
Genomic context (GRCh38, chr22:30,941,551, plus strand): 5'-AGATCCTCATCCGGGGATCAATATAGAGCACAGCGGCATAGGCACGGAACGAGCGCCGCT[C>G]TGGCTTCCTGGAGAGGGCAAAAACAGAGAAGTGCTGTCACCTGCTCCACAACAGGCCTGA-3'
Protein context (NP_001290185.1, residues 226-246): AETSPEGTKP[Glu236Gln]RRSFRAYAAV